The following is an entry in ClinVar:

NM_032043.3(BRIP1):c.1197G>A (p.Glu399=)

Gene: BRIP1 (BRCA1 interacting DNA helicase 1; minus strand). Cytogenetic location: 17q23.2.
Variant type: single nucleotide variant.
Coding change: c.1197G>A on transcript NM_032043.3 (MANE Select); coding-DNA position 1197, G replaced by A.
Protein change: p.Glu399=; no amino-acid change (glutamic acid 399 retained).
Molecular consequence: synonymous variant.
Genome position (GRCh38, 1-based): chr17:61,799,243, C>T on the plus strand (G>A on the coding strand, the complement: BRIP1 is on the minus strand). VCF-style: chr17-61799243-C-T. GRCh37 (hg19) VCF-style: chr17-59876604-C-T.
Identifiers: ClinVar variation 1746342 (VCV001746342.3), dbSNP rs1567829526, ClinGen allele CA501151593.

ClinVar aggregate classification (germline): Benign/Likely benign. Review status: criteria provided, multiple submitters, no conflicts (2 of 4 stars). 2 submissions from 2 submitters: Benign (1); Likely benign (1). Last evaluated 2024-08-26.

Conditions:
Hereditary cancer-predisposing syndrome. Also called: Hereditary Cancer Syndrome; Neoplastic Syndromes, Hereditary; Tumor predisposition; Hereditary neoplastic syndrome. Identifiers: Orphanet 140162, MedGen C0027672, MeSH D009386, MONDO:0015356.
Familial cancer of breast. Also called: BREAST CANCER, FAMILIAL; Hereditary breast cancer; hereditary breast carcinoma. Identifiers: Orphanet 227535, MedGen C0346153, MONDO:0016419, OMIM 114480. Disease mechanism: loss of function.

Submissions (2):

Myriad Genetics, Inc.
Classification: Benign for Familial cancer of breast. Last evaluated: 2024-08-26. Review status: criteria provided, single submitter. Criteria: Myriad Autosomal Dominant, Autosomal Recessive and X-Linked Classification Criteria (2023). Collection method: clinical testing. Allele origin: unknown.
Comment: This variant is considered benign. This variant is a silent/synonymous amino acid change and it is not expected to impact splicing.

Ambry Genetics
Classification: Likely benign for Hereditary cancer-predisposing syndrome. Last evaluated: 2022-07-15. Review status: criteria provided, single submitter. Criteria: Ambry Variant Classification Scheme 2023. Collection method: clinical testing. Allele origin: germline.